The following is an entry in ClinVar:

ClinVar aggregate classification (germline): Conflicting classifications of pathogenicity. Review status: criteria provided, conflicting classifications (1 of 4 stars). 3 submissions from 3 submitters: Uncertain significance (2); Likely benign (1). Last evaluated 2026-02-04.

Conditions:
Legius syndrome. Identifiers: Orphanet 137605, MedGen C1969623, MONDO:0012669, OMIM 611431. Disease mechanism: loss of function.
Cardiovascular phenotype. Identifiers: MedGen CN230736.

Allele frequency attached by ClinVar (database versions not stated): TOPMed below 0.00001; gnomAD 0.00001; gnomAD exomes 0.00001 and 0.00002.
gnomAD v4.1: 33 of 1,613,844 alleles (0.002%); highest among the groups gnomAD compares: Non-Finnish European, 0.0024%; no homozygotes.

Submissions (3):

Labcorp Genetics (formerly Invitae), Labcorp
Classification: Likely benign for Legius syndrome. Last evaluated: 2026-02-04. Review status: criteria provided, single submitter. Criteria: Invitae Variant Classification Sherloc (09022015). Collection method: clinical testing. Allele origin: germline.

Ambry Genetics
Classification: Uncertain significance for Cardiovascular phenotype. Last evaluated: 2025-04-12. Review status: criteria provided, single submitter. Criteria: Ambry Variant Classification Scheme 2023. Collection method: clinical testing. Allele origin: germline.
Comment: The p.N269K variant (also known as c.807T>G), located in coding exon 7 of the SPRED1 gene, results from a T to G substitution at nucleotide position 807. The asparagine at codon 269 is replaced by lysine, an amino acid with similar properties. This amino acid position is conserved. In addition, this alteration is predicted to be tolerated by in silico analysis. Based on the available evidence, the clinical significance of this variant remains unclear.

GeneDx
Classification: Uncertain significance. Last evaluated: 2018-07-30. Review status: criteria provided, single submitter. Criteria: GeneDx Variant Classification (06012015). Collection method: clinical testing. Allele origin: germline. Affected: yes.
Comment: The N269K variant has not been published as a pathogenic variant, nor has it been reported as a benign variant to our knowledge. The variant is observed in 1/24022 (0.0042%) alleles from individuals of African background in large population cohorts (Lek et al., 2016). N269K is a semi-conservative amino acid substitution, which may impact secondary protein structure as these residues differ in some properties. In-silico analyses, including protein predictors and evolutionary conservation, support that this variant does not alter protein structure/function. In summary, based on the currently available information, it is unclear whether this variant is a pathogenic variant or a rare benign variant.

NM_152594.3(SPRED1):c.807T>G (p.Asn269Lys)

Gene: SPRED1 (sprouty related EVH1 domain containing 1; plus strand). Cytogenetic location: 15q14.
Variant type: single nucleotide variant.
Coding change: c.807T>G on transcript NM_152594.3 (MANE Select); coding-DNA position 807, T replaced by G.
Protein change: p.Asn269Lys; replaces asparagine 269 with lysine.
Molecular consequence: missense variant.
Genome position (GRCh38, 1-based): chr15:38,351,136, T>G. VCF-style: chr15-38351136-T-G. GRCh37 (hg19) VCF-style: chr15-38643337-T-G.
Other names: short protein forms N269K.
Identifiers: ClinVar variation 280174 (VCV000280174.14), dbSNP rs886041428, ClinGen allele CA10603437.
Genomic context (GRCh38, chr15:38,351,136, plus strand): 5'-CCCTCGAGATATCTTAATACGTCGCTATGCAGACTACAGACATCCTGACATGTGGAAAAA[T>G]GACTTGGAAAGAGATGATGCTGATTCCAGTATTCAGTTTTCTAAACCAGACAGTAAAAAA-3'
Protein context (NP_689807.1, residues 259-279): ADYRHPDMWK[Asn269Lys]DLERDDADSS